The following is an entry in ClinVar:

ClinVar aggregate classification (germline): Uncertain significance (1 of 4 stars; one submission).

Conditions:
Inborn genetic diseases. Identifiers: MedGen C0950123, MeSH D030342.

Submission:

Ambry Genetics
Classification: Uncertain significance for Inborn genetic diseases. Last evaluated: 2024-05-30. Review status: criteria provided, single submitter. Criteria: Ambry Variant Classification Scheme 2023. Collection method: clinical testing. Allele origin: germline.
Comment: The p.I756S variant (also known as c.2267T>G), located in coding exon 23 of the ERCC2 gene, results from a T to G substitution at nucleotide position 2267. The isoleucine at codon 756 is replaced by serine, an amino acid with dissimilar properties. This amino acid position is conserved. In addition, this alteration is predicted to be deleterious by in silico analysis. Based on the available evidence, the clinical significance of this variant remains unclear.

NM_000400.4(ERCC2):c.2267T>G (p.Ile756Ser)

Gene: ERCC2 (ERCC excision repair 2, TFIIH core complex helicase subunit; minus strand). Cytogenetic location: 19q13.32.
Variant type: single nucleotide variant.
Coding change: c.2267T>G on transcript NM_000400.4 (MANE Select); coding-DNA position 2267, T replaced by G.
Protein change: p.Ile756Ser; replaces isoleucine 756 with serine.
Molecular consequence: missense variant.
Genome position (GRCh38, 1-based): chr19:45,351,645, A>C on the plus strand (T>G on the coding strand, the complement: ERCC2 is on the minus strand). VCF-style: chr19-45351645-A-C. GRCh37 (hg19) VCF-style: chr19-45854903-A-C.
Other names: short protein forms I756S.
Identifiers: ClinVar variation 3276282 (VCV003276282.1).